The following is an entry in ClinVar:

ClinVar aggregate classification (germline): Uncertain significance (1 of 4 stars; one submission).

Conditions:
Hereditary cancer-predisposing syndrome. Also called: Hereditary neoplastic syndrome; Neoplastic Syndromes, Hereditary; Tumor predisposition; Hereditary Cancer Syndrome. Identifiers: Orphanet 140162, MedGen C0027672, MeSH D009386, MONDO:0015356.

Submission:

Ambry Genetics
Classification: Uncertain significance for Hereditary cancer-predisposing syndrome. Last evaluated: 2025-08-22. Review status: criteria provided, single submitter. Criteria: Ambry Variant Classification Scheme 2023. Collection method: clinical testing. Allele origin: germline.
Comment: The p.G1249D variant (also known as c.3746G>A), located in coding exon 22 of the PTCH1 gene, results from a G to A substitution at nucleotide position 3746. The glycine at codon 1249 is replaced by aspartic acid, an amino acid with similar properties. This amino acid position is conserved. In addition, this alteration is predicted to be tolerated by in silico analysis. Based on the available evidence, the clinical significance of this variant remains unclear.

NM_000264.5(PTCH1):c.3746G>A (p.Gly1249Asp)

Gene: PTCH1 (patched 1; minus strand). Cytogenetic location: 9q22.32.
Variant type: single nucleotide variant.
Coding change: c.3746G>A on transcript NM_000264.5 (MANE Select); coding-DNA position 3746, G replaced by A.
Protein change: p.Gly1249Asp; replaces glycine 1249 with aspartic acid.
Molecular consequence: missense variant. On other transcripts: non-coding transcript variant (1).
Genome position (GRCh38, 1-based): chr9:95,449,127, C>T on the plus strand (G>A on the coding strand, the complement: PTCH1 is on the minus strand). VCF-style: chr9-95449127-C-T. GRCh37 (hg19) VCF-style: chr9-98211409-C-T.
Other names: c.3590G>A, p.Gly1197Asp (NM_001354918.2); c.3548G>A, p.Gly1183Asp (NM_001083602.3); c.3743G>A, p.Gly1248Asp (NM_001083603.3); c.3293G>A, p.Gly1098Asp (NM_001083604.3, NM_001083605.3, NM_001083606.3 and 1 more transcripts); short protein forms G1197D, G1249D, G1183D, G1098D, G1248D.
Identifiers: ClinVar variation 4146828 (VCV004146828.1).